The following is an entry in ClinVar:

NM_017414.4(USP18):c.219C>T (p.Phe73=)

Gene: USP18 (ubiquitin specific peptidase 18; plus strand). Cytogenetic location: 22q11.21.
Variant type: single nucleotide variant.
Coding change: c.219C>T on transcript NM_017414.4 (MANE Select); coding-DNA position 219, C replaced by T.
Protein change: p.Phe73=; no amino-acid change (phenylalanine 73 retained).
Molecular consequence: synonymous variant.
Genome position (GRCh38, 1-based): chr22:18,160,233, C>T. VCF-style: chr22-18160233-C-T. GRCh37 (hg19) VCF-style: chr22-18643000-C-T.
Other names: p.Phe73=.
Identifiers: ClinVar variation 723623 (VCV000723623.28), dbSNP rs138144879, ClinGen allele CA10093986.
Genomic context (GRCh38, chr22:18,160,233, plus strand): 5'-CCTGGTTGGTTTACACAACATTGGACAGACCTGCTGCCTTAACTCCTTGATTCAGGTGTT[C>T]GTAATGAATGTGGACTTCACCAGGATATTGAAGAGGTAAGACTGTTCTTCAGGCTGATGA-3'
Protein context (NP_059110.2, residues 63-83): TCCLNSLIQV[Phe73=]VMNVDFTRIL

ClinVar aggregate classification (germline): Benign/Likely benign. Review status: criteria provided, multiple submitters, no conflicts (2 of 4 stars). 5 submissions from 5 submitters: Benign (1); Likely benign (4). Last evaluated 2026-04-07.

Allele frequency attached by ClinVar (database versions not stated): 1000 Genomes Project 30x 0.00047; TOPMed 0.00057; 1000 Genomes Project 0.00060; ESP Exome Variant Server 0.00085; gnomAD 0.00088 and 0.00089.
gnomAD v4.1: 1,664 of 1,614,126 alleles (0.1%); highest among the groups gnomAD compares: Non-Finnish European, 0.11%; 1 homozygote.

Submissions (5):

Women's Health and Genetics/Laboratory Corporation of America, LabCorp
Classification: Benign. Last evaluated: 2026-04-07. Review status: criteria provided, single submitter. Criteria: LabCorp Variant Classification Summary - May 2015. Collection method: clinical testing. Allele origin: germline.

Mayo Clinic Laboratories, Mayo Clinic
Classification: Likely benign. Last evaluated: 2025-02-05. Review status: criteria provided, single submitter. Criteria: ACMG Guidelines, 2015. Collection method: clinical testing. Allele origin: germline. Observed: 4 variant alleles.
Comment: BP4, BP7

Blueprint Genetics
Classification: Likely benign. Last evaluated: 2024-11-13. Review status: criteria provided, single submitter. Criteria: ACMG Guidelines, 2015. Collection method: clinical testing. Allele origin: germline.

CeGaT Center for Human Genetics Tuebingen
Classification: Likely benign. Last evaluated: 2024-01-01. Review status: criteria provided, single submitter. Criteria: CeGaT Center For Human Genetics Tuebingen Variant Classification Criteria Version 2. Collection method: clinical testing. Allele origin: germline. Affected: yes. Observed: 1 variant allele.
Comment: USP18: BP4, BP7

Labcorp Genetics (formerly Invitae), Labcorp
Classification: Likely benign. Last evaluated: 2018-08-17. Review status: criteria provided, single submitter. Criteria: Invitae Variant Classification Sherloc (09022015). Collection method: clinical testing. Allele origin: germline.